The following is an entry in ClinVar:

NC_000008.10:g.(?_6264189)_(6272424_?)del

Gene: MCPH1 (microcephalin 1; plus strand). Cytogenetic location: 8p23.1.
Variant type: Deletion.
Identifiers: ClinVar variation 3245598 (VCV003245598.1).

ClinVar aggregate classification (germline): Pathogenic (1 of 4 stars; one submission).

Submission:

Labcorp Genetics (formerly Invitae), Labcorp
Classification: Pathogenic. Last evaluated: 2023-11-06. Review status: criteria provided, single submitter. Criteria: Invitae Variant Classification Sherloc (09022015). Collection method: clinical testing. Allele origin: unknown.
Comment: This variant is a gross deletion of the genomic region encompassing exon(s) 1-3 of the MCPH1 gene, which includes the initiator codon. This deletion extends beyond the assayed region for this gene and therefore may encompass additional genes. It is expected to result in an absent or disrupted protein product. Loss-of-function variants in MCPH1 are known to be pathogenic (PMID: 20978018). This variant has not been reported in the literature in individuals affected with MCPH1-related conditions. For these reasons, this variant has been classified as Pathogenic.

Literature cited by the submitters: PubMed 20978018.